The following is an entry in ClinVar:

ClinVar aggregate classification (germline): Uncertain significance (1 of 4 stars; one submission).

Conditions:
Hereditary cancer-predisposing syndrome. Also called: Neoplastic Syndromes, Hereditary; Tumor predisposition; Hereditary Cancer Syndrome; Hereditary neoplastic syndrome. Identifiers: Orphanet 140162, MedGen C0027672, MeSH D009386, MONDO:0015356.

Submission:

Ambry Genetics
Classification: Uncertain significance for Hereditary cancer-predisposing syndrome. Last evaluated: 2022-09-28. Review status: criteria provided, single submitter. Criteria: Ambry Variant Classification Scheme 2023. Collection method: clinical testing. Allele origin: germline.
Comment: The c.3469_3471delGAG variant (also known as p.E1157del) is located in coding exon 15 of the APC gene. This variant results from an in-frame GAG deletion at nucleotide positions 3469 to 3471. This results in the in-frame deletion of a glutamic acid at codon 1157. This amino acid position is not well conserved in available vertebrate species. In addition, this alteration is predicted to be neutral by in silico analysis (Choi Y et al. PLoS ONE. 2012; 7(10):e46688). Since supporting evidence is limited at this time, the clinical significance of this alteration remains unclear.

NM_000038.6(APC):c.3469_3471del (p.Glu1157del)

Gene: APC (APC regulator of Wnt signaling pathway; plus strand). Cytogenetic location: 5q22.2.
Variant type: Deletion.
Coding change: c.3469_3471del on transcript NM_000038.6 (MANE Select); coding-DNA positions 3469 to 3471, 3 bases deleted (GAG; older notation c.3469_3471delGAG).
Protein change: p.Glu1157del; deletes glutamic acid 1157.
Molecular consequence: inframe deletion. On other transcripts: inframe indel (20).
Genome position (GRCh38, 1-based): chr5:112,839,063-112,839,065, GAG deleted. VCF-style (leftmost placement, unchanged base first): chr5-112839062-AGAG-A. GRCh37 (hg19) VCF-style: chr5-112174759-AGAG-A.
Other names: c.3469_3471del, p.Glu1157del (NM_001127510.3, NM_001354895.2); c.3415_3417del, p.Glu1139del (NM_001127511.3); c.3523_3525del, p.Glu1175del (NM_001354896.2); c.3499_3501del, p.Glu1167del (NM_001354897.2); c.3394_3396del, p.Glu1132del (NM_001354898.2); c.3385_3387del, p.Glu1129del (NM_001354899.2); c.3346_3348del, p.Glu1116del (NM_001354900.2); c.3292_3294del, p.Glu1098del (NM_001354901.2); and 16 more; short protein forms E1031del, E1175del, E1074del, E1132del, E1150del, E1028del, E1056del, E1098del.
Identifiers: ClinVar variation 1731704 (VCV001731704.2), dbSNP rs2533500661, ClinGen allele CA2580072956.